The following is an entry in ClinVar:

NM_018429.3(BDP1):c.4342G>A (p.Ala1448Thr)

Gene: BDP1 (BDP1 general transcription factor IIIB subunit; plus strand). Cytogenetic location: 5q13.2.
Variant type: single nucleotide variant.
Coding change: c.4342G>A on transcript NM_018429.3 (MANE Select); coding-DNA position 4342, G replaced by A.
Protein change: p.Ala1448Thr; replaces alanine 1448 with threonine.
Molecular consequence: missense variant.
Genome position (GRCh38, 1-based): chr5:71,513,279, G>A. VCF-style: chr5-71513279-G-A. GRCh37 (hg19) VCF-style: chr5-70809106-G-A.
Other names: p.Ala1448Thr; short protein forms A1448T.
Identifiers: ClinVar variation 2682889 (VCV002682889.2), dbSNP rs201172860, ClinGen allele CA3296679.

ClinVar aggregate classification (germline): Uncertain significance. Review status: criteria provided, single submitter (1 of 4 stars). 2 submissions from 2 submitters: Uncertain significance (1). 1 of the submissions does not count toward it. Last evaluated 2022-08-16.

Conditions:
BDP1-related disorder. Also called: BDP1-related condition.

Allele frequency attached by ClinVar (database versions not stated): gnomAD 0.00006; gnomAD exomes 0.00006; ExAC 0.00009; ESP Exome Variant Server 0.00017; 1000 Genomes Project 0.00020; 1000 Genomes Project 30x 0.00031.

Submissions (2):

Mayo Clinic Laboratories, Mayo Clinic
Classification: Uncertain significance. Last evaluated: 2022-08-16. Review status: criteria provided, single submitter. Criteria: ACMG Guidelines, 2015. Collection method: clinical testing. Allele origin: germline. Observed: 1 variant allele.
Comment: BP4, PM2_supporting

PreventionGenetics, part of Exact Sciences
Classification: Uncertain significance for BDP1-related condition. Last evaluated: 2024-07-25. Review status: no assertion criteria provided. Collection method: clinical testing. Allele origin: germline. Not counted in ClinVar's aggregate classification.
Comment: The BDP1 c.4342G>A variant is predicted to result in the amino acid substitution p.Ala1448Thr. To our knowledge, this variant has not been reported in the literature. This variant is reported in 0.012% of alleles in individuals of European (Non-Finnish) descent in gnomAD. At this time, the clinical significance of this variant is uncertain due to the absence of conclusive functional and genetic evidence.